The following is an entry in ClinVar:

ClinVar aggregate classification (germline): Uncertain significance (1 of 4 stars; one submission).

Conditions:
Neurodevelopmental disorder. Identifiers: MedGen C1535926, MeSH D065886, MONDO:0700092.

Submission:

Victorian Clinical Genetics Services, Murdoch Childrens Research Institute
Classification: Uncertain significance for Neurodevelopmental disorder. Last evaluated: 2025-11-19. Review status: criteria provided, single submitter. Criteria: ACMG Guidelines, 2015. Collection method: clinical testing. Allele origin: germline. Affected: yes.
Comment: This variant is classified as VUS-3B. Evidence in support of pathogenic classification: Variant is predicted to cause nonsense-mediated decay (NMD) and loss of protein (premature termination codon is located at least 54 nucleotides upstream of the final exon-exon junction); Variant is absent from gnomAD (v2, v3 and v4). Additional information: This variant is heterozygous; This gene is associated with autosomal dominant disease; This variant has no previous evidence of pathogenicity; No published evidence of segregation with disease has been identified for this variant; No published functional evidence has been identified for this variant; Other NMD-predicted variants comparable to the one identified in this case have inconclusive previous evidence for pathogenicity. These variants have been reported as VUS by clinical laboratories in ClinVar, and reported in the literature in individuals with developmental delay with/without additional features. When available, segregation testing demonstrated that they were inherited from unaffected parents (PMID: 38526744); The mechanism of disease for this gene is not clearly established. However, some functional evidence suggests a loss of function mechanism (PMID: 38526744).

Literature cited by the submitters: PubMed 38526744.

NM_001363540.2(DOCK4):c.4392G>A (p.Trp1464Ter)

Gene: DOCK4 (dedicator of cytokinesis 4; minus strand). Cytogenetic location: 7q31.1.
Variant type: single nucleotide variant.
Coding change: c.4392G>A on transcript NM_001363540.2 (MANE Select); coding-DNA position 4392, G replaced by A.
Protein change: p.Trp1464Ter; replaces tryptophan 1464 with a stop codon.
Molecular consequence: nonsense.
Genome position (GRCh38, 1-based): chr7:111,755,539, C>T on the plus strand (G>A on the coding strand, the complement: DOCK4 is on the minus strand). VCF-style: chr7-111755539-C-T. GRCh37 (hg19) VCF-style: chr7-111395595-C-T.
Other names: c.4365G>A, p.Trp1455Ter (NM_014705.4); short protein forms W1455*, W1464*.
Identifiers: ClinVar variation 4532055 (VCV004532055.1).
Genomic context (GRCh38, chr7:111,755,539, plus strand): 5'-ATGAGAAAGTGCTTGAGAACAAGCTCTGATCCTTACCACTTCACGCTTTTCCACTTCAAA[C>T]CAGCGAGAGATGCCAGGCAAACTCTGCACCAAGTATAATGACGTTCTCTCCACCCAGAGA-3'